The following is an entry in ClinVar:

NM_017617.5(NOTCH1):c.3236C>T (p.Thr1079Ile)

Gene: NOTCH1 (notch receptor 1; minus strand). Cytogenetic location: 9q34.3.
Variant type: single nucleotide variant.
Coding change: c.3236C>T on transcript NM_017617.5 (MANE Select); coding-DNA position 3236, C replaced by T.
Protein change: p.Thr1079Ile; replaces threonine 1079 with isoleucine.
Molecular consequence: missense variant.
Genome position (GRCh38, 1-based): chr9:136,508,321, G>A on the plus strand (C>T on the coding strand, the complement: NOTCH1 is on the minus strand). VCF-style: chr9-136508321-G-A. GRCh37 (hg19) VCF-style: chr9-139402773-G-A.
Other names: short protein forms T1079I.
Identifiers: ClinVar variation 1729241 (VCV001729241.10), dbSNP rs1010573276, ClinGen allele CA201580580.

ClinVar aggregate classification (germline): Uncertain significance. Review status: criteria provided, multiple submitters, no conflicts (2 of 4 stars). 3 submissions from 3 submitters: Uncertain significance (3). Last evaluated 2024-05-27.

Conditions:
Adams-Oliver syndrome 5 (AOS5). Identifiers: Orphanet 974, MedGen C4014970, MONDO:0014459, OMIM 616028.
Familial thoracic aortic aneurysm and aortic dissection (TAAD). Also called: Thoracic aortic aneurysms and dissections. Identifiers: Orphanet 91387, MedGen C4707243, MONDO:0019625.

gnomAD v4.1: 1 of 1,613,052 alleles (0.000062%); highest among the groups gnomAD compares: African/African-American, 0.0013%; no homozygotes.

Submissions (3):

Labcorp Genetics (formerly Invitae), Labcorp
Classification: Uncertain significance for Adams-Oliver syndrome 5. Last evaluated: 2024-05-27. Review status: criteria provided, single submitter. Criteria: Invitae Variant Classification Sherloc (09022015). Collection method: clinical testing. Allele origin: germline.
Comment: This sequence change replaces threonine, which is neutral and polar, with isoleucine, which is neutral and non-polar, at codon 1079 of the NOTCH1 protein (p.Thr1079Ile). This variant is not present in population databases (gnomAD no frequency). This variant has not been reported in the literature in individuals affected with NOTCH1-related conditions. ClinVar contains an entry for this variant (Variation ID: 1729241). Advanced modeling of protein sequence and biophysical properties (such as structural, functional, and spatial information, amino acid conservation, physicochemical variation, residue mobility, and thermodynamic stability) performed at Invitae indicates that this missense variant is not expected to disrupt NOTCH1 protein function with a negative predictive value of 80%. In summary, the available evidence is currently insufficient to determine the role of this variant in disease. Therefore, it has been classified as a Variant of Uncertain Significance.

GeneDx
Classification: Uncertain significance. Last evaluated: 2024-01-30. Review status: criteria provided, single submitter. Criteria: GeneDx Variant Classification Process June 2021. Collection method: clinical testing. Allele origin: germline. Affected: yes.
Comment: Has not been previously published as pathogenic or benign to our knowledge; Not observed at significant frequency in large population cohorts (gnomAD); In silico analysis supports that this missense variant has a deleterious effect on protein structure/function

Ambry Genetics
Classification: Uncertain significance for Familial thoracic aortic aneurysm and aortic dissection. Last evaluated: 2022-12-31. Review status: criteria provided, single submitter. Criteria: Ambry Variant Classification Scheme 2023. Collection method: clinical testing. Allele origin: germline.
Comment: The p.T1079I variant (also known as c.3236C>T), located in coding exon 20 of the NOTCH1 gene, results from a C to T substitution at nucleotide position 3236. The threonine at codon 1079 is replaced by isoleucine, an amino acid with similar properties. This amino acid position is not well conserved in available vertebrate species. In addition, this alteration is predicted to be tolerated by in silico analysis. Since supporting evidence is limited at this time, the clinical significance of this alteration remains unclear.